The following is an entry in ClinVar:

NM_001283009.2(RTEL1):c.1019G>C (p.Gly340Ala)

Genes: RTEL1 (regulator of telomere elongation helicase 1; plus strand), RTEL1-TNFRSF6B (RTEL1-TNFRSF6B readthrough (NMD candidate); plus strand). Cytogenetic location: 20q13.33.
Variant type: single nucleotide variant.
Coding change: c.1019G>C on transcript NM_001283009.2 (MANE Select); coding-DNA position 1019, G replaced by C.
Protein change: p.Gly340Ala; replaces glycine 340 with alanine.
Molecular consequence: missense variant. On other transcripts: non-coding transcript variant (1).
Genome position (GRCh38, 1-based): chr20:63,678,328, G>C. VCF-style: chr20-63678328-G-C. GRCh37 (hg19) VCF-style: chr20-62309681-G-C.
Other names: c.350G>C, p.Gly117Ala (NM_001283010.1); c.1019G>C, p.Gly340Ala (NM_016434.4); c.1091G>C, p.Gly364Ala (NM_032957.5); short protein forms G117A, G340A, G364A.
Identifiers: ClinVar variation 3748633 (VCV003748633.3).

ClinVar aggregate classification (germline): Uncertain significance. Review status: criteria provided, multiple submitters, no conflicts (2 of 4 stars). 2 submissions from 2 submitters: Uncertain significance (2). Last evaluated 2026-06-19.

Conditions:
Dyskeratosis congenita, autosomal recessive 5 (DKCB5). Identifiers: MedGen C3554656, MONDO:0014076, OMIM 615190.
Pulmonary fibrosis and/or bone marrow failure, Telomere-related, 3. Also called: PULMONARY FIBROSIS AND/OR BONE MARROW FAILURE SYNDROME, TELOMERE-RELATED, 3. Identifiers: Orphanet 2032, MedGen C4225346, MONDO:0014613, OMIM 616373.
Inborn genetic diseases. Identifiers: MedGen C0950123, MeSH D030342.

Submissions (2):

Ambry Genetics
Classification: Uncertain significance for Inborn genetic diseases. Last evaluated: 2026-06-19. Review status: criteria provided, single submitter. Criteria: Ambry Variant Classification Scheme 2023. Collection method: clinical testing. Allele origin: germline.
Comment: The p.G340A variant (also known as c.1019G>C), located in coding exon 11 of the RTEL1 gene, results from a G to C substitution at nucleotide position 1019. The glycine at codon 340 is replaced by alanine, an amino acid with similar properties. This amino acid position is conserved. In addition, the in silico prediction for this alteration is inconclusive. Based on the available evidence, the clinical significance of this variant remains unclear.

Labcorp Genetics (formerly Invitae), Labcorp
Classification: Uncertain significance for Dyskeratosis congenita, autosomal recessive 5; Pulmonary fibrosis and/or bone marrow failure, Telomere-related, 3. Last evaluated: 2024-03-15. Review status: criteria provided, single submitter. Criteria: Invitae Variant Classification Sherloc (09022015). Collection method: clinical testing. Allele origin: germline.
Comment: This sequence change replaces glycine, which is neutral and non-polar, with alanine, which is neutral and non-polar, at codon 340 of the RTEL1 protein (p.Gly340Ala). This variant is not present in population databases (gnomAD no frequency). This variant has not been reported in the literature in individuals affected with RTEL1-related conditions. An algorithm developed to predict the effect of missense changes on protein structure and function (PolyPhen-2) suggests that this variant is likely to be disruptive. In summary, the available evidence is currently insufficient to determine the role of this variant in disease. Therefore, it has been classified as a Variant of Uncertain Significance.